The following is an entry in ClinVar:

ClinVar aggregate classification (germline): Uncertain significance (1 of 4 stars; one submission).

Conditions:
SEMA3E-related disorder. Also called: SEMA3E-related condition.

Submission:

PreventionGenetics, part of Exact Sciences
Classification: Uncertain significance for SEMA3E-related condition. Last evaluated: 2026-03-18. Review status: criteria provided, single submitter. Criteria: ACMG Guidelines, 2015. Collection method: clinical testing. Allele origin: germline.
Comment: The SEMA3E c.1592T>C variant is predicted to result in the amino acid substitution p.Leu531Pro. To our knowledge, this variant has not been reported in the literature or in a large population database (gnomAD), indicating this variant is rare. At this time, the clinical significance of this variant is uncertain due to the absence of conclusive functional and genetic evidence.

NM_012431.3(SEMA3E):c.1592T>C (p.Leu531Pro)

Gene: SEMA3E (semaphorin 3E; minus strand). Cytogenetic location: 7q21.11.
Variant type: single nucleotide variant.
Coding change: c.1592T>C on transcript NM_012431.3 (MANE Select); coding-DNA position 1592, T replaced by C.
Protein change: p.Leu531Pro; replaces leucine 531 with proline.
Molecular consequence: missense variant.
Genome position (GRCh38, 1-based): chr7:83,392,630, A>G on the plus strand (T>C on the coding strand, the complement: SEMA3E is on the minus strand). VCF-style: chr7-83392630-A-G. GRCh37 (hg19) VCF-style: chr7-83021946-A-G.
Other names: c.1412T>C, p.Leu471Pro (NM_001178129.2); short protein forms L471P, L531P.
Identifiers: ClinVar variation 4995355 (VCV004995355.1).